The following is an entry in ClinVar:

ClinVar aggregate classification (germline): Conflicting classifications of pathogenicity. Review status: criteria provided, conflicting classifications (1 of 4 stars). 3 submissions from 3 submitters: Uncertain significance (2); Likely benign (1). Last evaluated 2025-02-16.

Conditions:
Inborn genetic diseases. Identifiers: MedGen C0950123, MeSH D030342.

Allele frequency attached by ClinVar (database versions not stated): TOPMed below 0.00001; gnomAD 0.00001; gnomAD exomes 0.00001.
gnomAD v4.1: 9 of 1,611,844 alleles (0.00056%); highest among the groups gnomAD compares: Admixed American, 0.0034%; no homozygotes.

Submissions (3):

Laboratory of Genetics, Children's Clinical University Hospital Latvia
Classification: Likely benign. Last evaluated: 2025-02-16. Review status: criteria provided, single submitter. Criteria: ACMG Guidelines, 2015. Collection method: clinical testing. Allele origin: germline. Affected: yes.

Labcorp Genetics (formerly Invitae), Labcorp
Classification: Uncertain significance. Last evaluated: 2024-11-14. Review status: criteria provided, single submitter. Criteria: Invitae Variant Classification Sherloc (09022015). Collection method: clinical testing. Allele origin: germline.
Comment: This sequence change replaces aspartic acid, which is acidic and polar, with glycine, which is neutral and non-polar, at codon 286 of the POLR1A protein (p.Asp286Gly). This variant is present in population databases (no rsID available, gnomAD 0.003%). This variant has not been reported in the literature in individuals affected with POLR1A-related conditions. ClinVar contains an entry for this variant (Variation ID: 3216440). Invitae Evidence Modeling of protein sequence and biophysical properties (such as structural, functional, and spatial information, amino acid conservation, physicochemical variation, residue mobility, and thermodynamic stability) indicates that this missense variant is not expected to disrupt POLR1A protein function with a negative predictive value of 80%. In summary, the available evidence is currently insufficient to determine the role of this variant in disease. Therefore, it has been classified as a Variant of Uncertain Significance.

Ambry Genetics
Classification: Uncertain significance for Inborn genetic diseases. Last evaluated: 2023-12-11. Review status: criteria provided, single submitter. Criteria: Ambry Variant Classification Scheme 2023. Collection method: clinical testing. Allele origin: germline.

NM_015425.6(POLR1A):c.857A>G (p.Asp286Gly)

Gene: POLR1A (RNA polymerase I subunit A; minus strand). Cytogenetic location: 2p11.2.
Variant type: single nucleotide variant.
Coding change: c.857A>G on transcript NM_015425.6 (MANE Select); coding-DNA position 857, A replaced by G.
Protein change: p.Asp286Gly; replaces aspartic acid 286 with glycine.
Molecular consequence: missense variant.
Genome position (GRCh38, 1-based): chr2:86,081,667, T>C on the plus strand (A>G on the coding strand, the complement: POLR1A is on the minus strand). VCF-style: chr2-86081667-T-C. GRCh37 (hg19) VCF-style: chr2-86308790-T-C.
Other names: short protein forms D286G.
Identifiers: ClinVar variation 3216440 (VCV003216440.4), dbSNP rs1472458142, ClinGen allele CA347553850.